The following is an entry in ClinVar:

ClinVar aggregate classification (germline): Pathogenic. Review status: reviewed by expert panel (3 of 4 stars). 2 submissions from 2 submitters: Pathogenic (1). 1 of the submissions does not count toward it. Last evaluated 2016-10-18.

Conditions:
Breast-ovarian cancer, familial, susceptibility to, 1 (BROVCA1). Also called: BRCA1 Hereditary Breast and Ovarian Cancer; OVARIAN CANCER, SUSCEPTIBILITY TO. Identifiers: Orphanet 145, MedGen C2676676, MONDO:0011450, OMIM 604370. Disease mechanism: loss of function.

Submissions (2):

Evidence-based Network for the Interpretation of Germline Mutant Alleles (ENIGMA)
Classification: Pathogenic for Breast-ovarian cancer, familial, susceptibility to, 1. Last evaluated: 2016-10-18. Review status: reviewed by expert panel. Criteria: ENIGMA BRCA1/2 Classification Criteria (2015). Collection method: curation. Allele origin: germline.
Comment: Variant allele predicted to encode a truncated non-functional protein.

Consortium of Investigators of Modifiers of BRCA1/2 (CIMBA), c/o University of Cambridge
Classification: Pathogenic for Breast-ovarian cancer, familial, susceptibility to, 1. Last evaluated: 2015-10-02. Review status: criteria provided, single submitter. Criteria: CIMBA Mutation Classification guidelines May 2016. Collection method: clinical testing. Allele origin: germline. Not counted in ClinVar's aggregate classification.

NM_007294.4(BRCA1):c.4887_4893del (p.Glu1629_Glu1630insTer)

Gene: BRCA1 (BRCA1 DNA repair associated; minus strand). Cytogenetic location: 17q21.31.
Variant type: Deletion.
Coding change: c.4887_4893del on transcript NM_007294.4 (MANE Select); coding-DNA positions 4887 to 4893, 7 bases deleted (AGAAAGT; older notation c.4887_4893delAGAAAGT).
Protein change: p.Glu1629_Glu1630insTer.
Molecular consequence: frameshift variant. On other transcripts: nonsense (365), non-coding transcript variant (1).
Genome position (GRCh38, 1-based): chr17:43,071,021-43,071,027, ACTTTCT deleted on the plus strand (AGAAAGT on the coding strand, the reverse complement: BRCA1 is on the minus strand). VCF-style (leftmost placement, unchanged base first): chr17-43071020-CACTTTCT-C. GRCh37 (hg19) VCF-style: chr17-41223037-CACTTTCT-C.
Other names: 5006delAGAAAGT; c.4671_4677delAGAAAGT, p.Glu1558Terfs (NM_001407917.1, NM_001407918.1, NM_001407915.1 and 1 more transcripts); c.4764_4770delAGAAAGT, p.Glu1589Terfs (NM_001407919.1, NM_001407937.1, NM_001407938.1 and 6 more transcripts); c.4623_4629delAGAAAGT, p.Glu1542Terfs (NM_001407920.1, NM_001407921.1, NM_001407922.1 and 4 more transcripts); c.4620_4626delAGAAAGT, p.Glu1541Terfs (NM_001407927.1, NM_001407928.1, NM_001407929.1 and 4 more transcripts); c.4617_4623delAGAAAGT, p.Glu1540Terfs (NM_001407934.1, NM_001407935.1, NM_001407936.1); c.4761_4767delAGAAAGT, p.Glu1588Terfs (NM_001407939.1, NM_001407940.1, NM_001407670.1 and 11 more transcripts); c.4758_4764delAGAAAGT, p.Glu1587Terfs (NM_001407941.1, NM_001407681.1, NM_001407682.1 and 6 more transcripts); and 74 more.
Identifiers: ClinVar variation 266503 (VCV000266503.6), dbSNP rs886040255, ClinGen allele CA10589637.